The following is an entry in ClinVar:

NM_004006.3(DMD):c.1047A>T (p.Glu349Asp)

Gene: DMD (dystrophin; minus strand). Cytogenetic location: Xp21.1.
Variant type: single nucleotide variant.
Coding change: c.1047A>T on transcript NM_004006.3 (MANE Select); coding-DNA position 1047, A replaced by T.
Protein change: p.Glu349Asp; replaces glutamic acid 349 with aspartic acid.
Molecular consequence: missense variant.
Genome position (GRCh38, 1-based): chrX:32,645,066, T>A on the plus strand (A>T on the coding strand, the complement: DMD is on the minus strand). VCF-style: chrX-32645066-T-A. GRCh37 (hg19) VCF-style: chrX-32663183-T-A.
Other names: c.1023A>T, p.Glu341Asp (NM_000109.4); c.1035A>T, p.Glu345Asp (NM_004009.3); c.678A>T, p.Glu226Asp (NM_004010.3); short protein forms E349D, E345D, E226D, E341D.
Identifiers: ClinVar variation 447249 (VCV000447249.4), dbSNP rs1044325754, ClinGen allele CA412662085.

ClinVar aggregate classification (germline): Uncertain significance. Review status: criteria provided, multiple submitters, no conflicts (2 of 4 stars). 3 submissions from 3 submitters: Uncertain significance (3). Last evaluated 2024-11-05.

Conditions:
Cardiovascular phenotype. Identifiers: MedGen CN230736.
Duchenne muscular dystrophy (DMD). Also called: MUSCULAR DYSTROPHY, PSEUDOHYPERTROPHIC PROGRESSIVE, DUCHENNE TYPE; Duchenne Muscular Dystrophy (DMD). Identifiers: Orphanet 98896, MedGen C0013264, MONDO:0010679, OMIM 310200.

Allele frequency attached by ClinVar (database versions not stated): gnomAD exomes 0.00001.
gnomAD v4.1: 1 of 1,211,785 alleles (0.000083%); highest among the groups gnomAD compares: Non-Finnish European, 0.00011%; no homozygotes.

Submissions (3):

Labcorp Genetics (formerly Invitae), Labcorp
Classification: Uncertain significance for Duchenne muscular dystrophy. Last evaluated: 2024-11-05. Review status: criteria provided, single submitter. Criteria: Invitae Variant Classification Sherloc (09022015). Collection method: clinical testing. Allele origin: germline.
Comment: This sequence change replaces glutamic acid, which is acidic and polar, with aspartic acid, which is acidic and polar, at codon 349 of the DMD protein (p.Glu349Asp). This variant is not present in population databases (gnomAD no frequency). This variant has not been reported in the literature in individuals affected with DMD-related conditions. ClinVar contains an entry for this variant (Variation ID: 447249). Invitae Evidence Modeling of protein sequence and biophysical properties (such as structural, functional, and spatial information, amino acid conservation, physicochemical variation, residue mobility, and thermodynamic stability) indicates that this missense variant is not expected to disrupt DMD protein function with a negative predictive value of 95%. In summary, the available evidence is currently insufficient to determine the role of this variant in disease. Therefore, it has been classified as a Variant of Uncertain Significance.

Ambry Genetics
Classification: Uncertain significance for Cardiovascular phenotype. Last evaluated: 2023-11-17. Review status: criteria provided, single submitter. Criteria: Ambry Variant Classification Scheme 2023. Collection method: clinical testing. Allele origin: germline.
Comment: The p.E349D variant (also known as c.1047A>T), located in coding exon 10 of the DMD gene, results from an A to T substitution at nucleotide position 1047. The glutamic acid at codon 349 is replaced by aspartic acid, an amino acid with highly similar properties. Based on data from gnomAD, the T allele has an overall frequency of 0.0005% (1/183391) total alleles studied, with no hemizygote(s) observed. The highest observed frequency was 0.0012% (1/81878) of European (non-Finnish) alleles. This amino acid position is highly conserved in available vertebrate species. In addition, this alteration is predicted to be tolerated by in silico analysis. Since supporting evidence is limited at this time, the clinical significance of this alteration remains unclear.

Athena Diagnostics
Classification: Uncertain significance. Last evaluated: 2016-10-18. Review status: criteria provided, single submitter. Criteria: Athena Diagnostics Criteria. Collection method: clinical testing. Allele origin: germline.